The following is an entry in ClinVar:

NM_000088.4(COL1A1):c.642+2T>C

Gene: COL1A1 (collagen type I alpha 1 chain; minus strand). Cytogenetic location: 17q21.33.
Variant type: single nucleotide variant.
Coding change: c.642+2T>C on transcript NM_000088.4 (MANE Select); the canonical splice donor site of the intron after coding-DNA position 642, T replaced by C.
Molecular consequence: splice donor variant.
Genome position (GRCh38, 1-based): chr17:50,197,947, A>G on the plus strand (T>C on the coding strand, the complement: COL1A1 is on the minus strand). VCF-style: chr17-50197947-A-G. GRCh37 (hg19) VCF-style: chr17-48275308-A-G.
Identifiers: ClinVar variation 4994233 (VCV004994233.1).

ClinVar aggregate classification (germline): Likely pathogenic (1 of 4 stars; one submission).

Conditions:
COL1A1-related disorder. Also called: COL1A1-related condition; COL1A1- related disease.

Submission:

PreventionGenetics, part of Exact Sciences
Classification: Likely pathogenic for COL1A1-related condition. Last evaluated: 2025-10-04. Review status: criteria provided, single submitter. Criteria: ACMG Guidelines, 2015. Collection method: clinical testing. Allele origin: germline.
Comment: The COL1A1 c.642+2T>C variant is predicted to disrupt the GT donor site and interfere with normal splicing. To our knowledge, this variant has not been reported in the literature or in a large population database (gnomAD), indicating this variant is rare. Variants that disrupt the consensus splice donor site in COL1A1 are expected to be pathogenic. This variant is interpreted as likely pathogenic.